The following is an entry in ClinVar:

NM_003365.3(UQCRC1):c.478C>T (p.Gln160Ter)

Gene: UQCRC1 (ubiquinol-cytochrome c reductase core protein 1; minus strand). Cytogenetic location: 3p21.31.
Variant type: single nucleotide variant.
Coding change: c.478C>T on transcript NM_003365.3 (MANE Select); coding-DNA position 478, C replaced by T.
Protein change: p.Gln160Ter; replaces glutamine 160 with a stop codon.
Molecular consequence: nonsense.
Genome position (GRCh38, 1-based): chr3:48,604,381, G>A on the plus strand (C>T on the coding strand, the complement: UQCRC1 is on the minus strand). VCF-style: chr3-48604381-G-A. GRCh37 (hg19) VCF-style: chr3-48641814-G-A.
Other names: short protein forms Q160*.
Identifiers: ClinVar variation 5041438 (VCV005041438.1).

ClinVar aggregate classification (germline): Uncertain significance (1 of 4 stars; one submission).

Submission:

CeGaT Center for Human Genetics Tuebingen
Classification: Uncertain significance. Last evaluated: 2026-09-01. Review status: criteria provided, single submitter. Criteria: CeGaT Center For Human Genetics Tuebingen Variant Classification Criteria Version 2. Collection method: clinical testing. Allele origin: germline. Affected: yes. Observed: 1 variant allele.
Comment: UQCRC1: PM2